The following is an entry in ClinVar:

NM_000552.5(VWF):c.2879_2880delinsCA (p.Arg960Pro)

Gene: VWF (von Willebrand factor; minus strand). Cytogenetic location: 12p13.31.
Variant type: Indel.
Coding change: c.2879_2880delinsCA on transcript NM_000552.5 (MANE Select); coding-DNA positions 2879 to 2880, GG replaced by CA.
Protein change: p.Arg960Pro; replaces arginine 960 with proline.
Molecular consequence: missense variant.
Genome position (GRCh38, 1-based): chr12:6,029,429-6,029,430, CC replaced by TG on the plus strand (GG replaced by CA on the coding strand, the reverse complement: VWF is on the minus strand). VCF-style: chr12-6029429-CC-TG. GRCh37 (hg19) VCF-style: chr12-6138595-CC-TG.
Other names: c.2879_2880delinsCA (NM_000552.4); short protein forms R960P.
Identifiers: ClinVar variation 2682102 (VCV002682102.4), dbSNP rs2497545591, ClinGen allele CA2697559075.

ClinVar aggregate classification (germline): Uncertain significance. Review status: criteria provided, multiple submitters, no conflicts (2 of 4 stars). 3 submissions from 3 submitters: Uncertain significance (3). Last evaluated 2025-06-24.

Conditions:
VWF-related disorder. Also called: VWF-related disorders; VWF-related condition.

Submissions (3):

PreventionGenetics, part of Exact Sciences
Classification: Uncertain significance for VWF-related condition. Last evaluated: 2025-06-24. Review status: criteria provided, single submitter. Criteria: ACMG Guidelines, 2015. Collection method: clinical testing. Allele origin: germline.
Comment: The VWF c.2879_2880delinsCA variant is predicted to result in an in-frame deletion and insertion. To our knowledge, this variant has not been reported in the literature or in a large population database (gnomAD), indicating this variant is rare. An alternate nucleotide change which creates the same amino change (c.2879G>C, p.Arg960Pro) has been reported in individuals affected with von Willebrand disease (Table 1, Mannucci et al. 2013. PubMed ID: 23777763; table 2 Kloosterman et al. 2023. PubMed ID: 36121439; table 1 & 2 Krahforst et al. 2024. PubMed ID: 39002731).  At this time, the clinical significance of the c.2879_2880delinsCA variant is uncertain due to the absence of conclusive functional and genetic evidence.

Women's Health and Genetics/Laboratory Corporation of America, LabCorp
Classification: Uncertain significance. Last evaluated: 2025-05-08. Review status: criteria provided, single submitter. Criteria: LabCorp Variant Classification Summary - May 2015. Collection method: clinical testing. Allele origin: germline.
Comment: Variant summary: VWF c.2879_2880delinsCA (p.Arg960Pro) results in a non-conservative amino acid change in the encoded protein sequence. Algorithms developed to predict the effect of missense changes on protein structure and function are either unavailable or do not agree on the potential impact of this missense change. The variant was absent in 251382 control chromosomes (gnomAD). The available data on variant occurrences in the general population are insufficient to allow any conclusion about variant significance. c.2879_2880delinsCA has not been reported in the literature. However, another variant with the same amino acid change (c.2879G>C, p.R960P) has been observed in individuals affected with Von Willebrand Disease (Mannucci_2013, Kloosterman_2023). These reports do not provide unequivocal conclusions about association of the variant with Von Willebrand Disease. To our knowledge, no experimental evidence demonstrating an impact on protein function has been reported. The following publications have been ascertained in the context of this evaluation (PMID: 36121439, 23777763). ClinVar contains an entry for this variant (Variation ID: 2682102). Based on the evidence outlined above, the variant was classified as uncertain significance.

Quest Diagnostics Nichols Institute San Juan Capistrano
Classification: Uncertain significance. Last evaluated: 2023-11-07. Review status: criteria provided, single submitter. Criteria: Quest Diagnostics criteria. Collection method: clinical testing. Allele origin: unknown.
Comment: The VWF c.2879_2880delinsCA (p.Arg960Pro) variant has not been reported in individuals with VWF-related conditions in the published literature. However, another variant c.2879G>C which resulted in the same amino acid change p.Arg960Pro has been reported in individuals with Type 1 von Willebrand disease (PMIDs: 23777763 (2013) and 36121439 (2023)). This variant also has not been reported in large, multi-ethnic general populations (Genome Aggregation Database). Analysis of this variant using bioinformatics tools for the prediction of the effect of amino acid changes on protein structure and function yielded predictions that this variant is damaging. Based on the available information, we are unable to determine the clinical significance of this variant.

Literature cited by the submitters: PubMed 36121439 (cited by Women's Health and Genetics/Laboratory Corporation of America, LabCorp); PubMed 23777763 (cited by Women's Health and Genetics/Laboratory Corporation of America, LabCorp).